The following is an entry in ClinVar:

ClinVar aggregate classification (germline): Uncertain significance (1 of 4 stars; one submission).

Conditions:
Spastic ataxia 2. Also called: Ataxia, spastic, 2, autosomal recessive. Identifiers: Orphanet 397946, MedGen C1969796, MONDO:0012651, OMIM 611302.

Submission:

Labcorp Genetics (formerly Invitae), Labcorp
Classification: Uncertain significance for Spastic ataxia 2. Last evaluated: 2022-08-08. Review status: criteria provided, single submitter. Criteria: Invitae Variant Classification Sherloc (09022015). Collection method: clinical testing. Allele origin: germline.
Comment: In summary, the available evidence is currently insufficient to determine the role of this variant in disease. Therefore, it has been classified as a Variant of Uncertain Significance. Algorithms developed to predict the effect of missense changes on protein structure and function are either unavailable or do not agree on the potential impact of this missense change (SIFT: "Deleterious"; PolyPhen-2: "Benign"; Align-GVGD: "Class C0"). This variant has not been reported in the literature in individuals affected with KIF1C-related conditions. This variant is not present in population databases (gnomAD no frequency). This sequence change replaces glutamic acid, which is acidic and polar, with glutamine, which is neutral and polar, at codon 809 of the KIF1C protein (p.Glu809Gln).

NM_006612.6(KIF1C):c.2425G>C (p.Glu809Gln)

Gene: KIF1C (kinesin family member 1C; plus strand). Cytogenetic location: 17p13.2.
Variant type: single nucleotide variant.
Coding change: c.2425G>C on transcript NM_006612.6 (MANE Select); coding-DNA position 2425, G replaced by C.
Protein change: p.Glu809Gln; replaces glutamic acid 809 with glutamine.
Molecular consequence: missense variant.
Genome position (GRCh38, 1-based): chr17:5,022,506, G>C. VCF-style: chr17-5022506-G-C. GRCh37 (hg19) VCF-style: chr17-4925801-G-C.
Other names: short protein forms E809Q.
Identifiers: ClinVar variation 1979423 (VCV001979423.4), dbSNP rs201219607, ClinGen allele CA397314594.